The following is an entry in ClinVar:

ClinVar aggregate classification (germline): Benign. Review status: criteria provided, multiple submitters, no conflicts (2 of 4 stars). 3 submissions from 3 submitters: Benign (3). Last evaluated 2019-08-20.

Conditions:
Focal segmental glomerulosclerosis 2 (FSGS2). Identifiers: Orphanet 656, MedGen C1858915, MONDO:0011390, OMIM 603965.

Allele frequency attached by ClinVar (database versions not stated): 1000 Genomes Project 30x 0.12633; 1000 Genomes Project 0.12919; TOPMed 0.19091; gnomAD 0.19774 and 0.20345.
gnomAD v4.1: 99,718 of 472,656 alleles (21%); highest among the groups gnomAD compares: Middle Eastern, 31%; 12,183 homozygotes.

Submissions (3):

GeneDx
Classification: Benign. Last evaluated: 2019-08-20. Review status: criteria provided, single submitter. Criteria: GeneDx Variant Classification Process June 2021. Collection method: clinical testing. Allele origin: germline. Affected: yes.

Illumina Laboratory Services, Illumina
Classification: Benign for Focal segmental glomerulosclerosis 2. Last evaluated: 2018-01-13. Review status: criteria provided, single submitter. Criteria: ICSL Variant Classification Criteria 13 December 2019. Collection method: clinical testing. Allele origin: germline.
Comment: This variant was observed in the ICSL laboratory as part of a predisposition screen in an ostensibly healthy population. It had not been previously curated by ICSL or reported in the Human Gene Mutation Database (HGMD: prior to June 1st, 2018), and was therefore a candidate for classification through an automated scoring system. Utilizing variant allele frequency, disease prevalence and penetrance estimates, and inheritance mode, an automated score was calculated to assess if this variant is too frequent to cause the disease. Based on the score and internal cut-off values, a variant classified as benign is not then subjected to further curation. The score for this variant resulted in a classification of benign for this disease.

Breakthrough Genomics
Classification: Benign. Review status: criteria provided, single submitter. Criteria: ACMG Guidelines, 2015. Collection method: not provided. Allele origin: germline. Inheritance: Autosomal dominant inheritance. Affected: yes.

NM_004621.6(TRPC6):c.-218C>T

Gene: TRPC6 (transient receptor potential cation channel subfamily C member 6; minus strand). Cytogenetic location: 11q22.1.
Variant type: single nucleotide variant.
Coding change: c.-218C>T on transcript NM_004621.6 (MANE Select); 218 bases upstream of the start codon, C replaced by T.
Molecular consequence: 5 prime UTR variant.
Genome position (GRCh38, 1-based): chr11:101,583,721, G>A on the plus strand (C>T on the coding strand, the complement: TRPC6 is on the minus strand). VCF-style: chr11-101583721-G-A. GRCh37 (hg19) VCF-style: chr11-101454452-G-A.
Identifiers: ClinVar variation 301918 (VCV000301918.7), dbSNP rs56134796, ClinGen allele CA10637249.